The following is an entry in ClinVar:

NM_001453.3(FOXC1):c.-423C>A

Genes: FOXC1 (forkhead box C1; plus strand), LOC129995600 (ATAC-STARR-seq lymphoblastoid silent region 16824; plus strand). Cytogenetic location: 6p25.3.
Variant type: single nucleotide variant.
Coding change: c.-423C>A on transcript NM_001453.3 (MANE Select); 423 bases upstream of the start codon, C replaced by A.
Molecular consequence: 5 prime UTR variant.
Genome position (GRCh38, 1-based): chr6:1,610,023, C>A. VCF-style: chr6-1610023-C-A. GRCh37 (hg19) VCF-style: chr6-1610258-C-A.
Identifiers: ClinVar variation 4986611 (VCV004986611.1).
Genomic context (GRCh38, chr6:1,610,023, plus strand): 5'-GCGAGAGACCGAGAAAAGGTGACGCGGGGCCCGGGCAGGCGGCCGGCGCGCGGCCCCCCC[C>A]CCCCCCGCCCTGGTTATTTGGCCGCCTTCGCCGGCAGCTCAGGGCAGAGTCTCCTGGAAG-3'

ClinVar aggregate classification (germline): Likely benign (1 of 4 stars; one submission).

Conditions:
FOXC1-related disorder. Also called: FOXC1-related condition.

Submission:

PreventionGenetics, part of Exact Sciences
Classification: Likely benign for FOXC1-related condition. Last evaluated: 2026-08-03. Review status: criteria provided, single submitter. Criteria: ACMG Guidelines, 2015. Collection method: clinical testing. Allele origin: germline.
Comment: This variant is classified as likely benign based on ACMG/AMP sequence variant interpretation guidelines (Richards et al. 2015 PMID: 25741868, with internal and published modifications).